The following is an entry in ClinVar:

NM_007294.4(BRCA1):c.4925C>G (p.Ser1642Ter)

Gene: BRCA1 (BRCA1 DNA repair associated; minus strand). Cytogenetic location: 17q21.31.
Variant type: single nucleotide variant.
Coding change: c.4925C>G on transcript NM_007294.4 (MANE Select); coding-DNA position 4925, C replaced by G.
Protein change: p.Ser1642Ter; replaces serine 1642 with a stop codon.
Molecular consequence: nonsense. On other transcripts: non-coding transcript variant (1).
Genome position (GRCh38, 1-based): chr17:43,070,989, G>C on the plus strand (C>G on the coding strand, the complement: BRCA1 is on the minus strand). VCF-style: chr17-43070989-G-C. GRCh37 (hg19) VCF-style: chr17-41223006-G-C.
Other names: c.4925C>G, p.Ser1642Ter (NM_001407603.1, NM_001407605.1, NM_001407652.1 and 8 more transcripts); c.4922C>G, p.Ser1641Ter (NM_001407610.1, NM_001407611.1, NM_001407612.1 and 17 more transcripts); c.4919C>G, p.Ser1640Ter (NM_001407627.1, NM_001407628.1, NM_001407629.1 and 14 more transcripts); c.4916C>G, p.Ser1639Ter (NM_001407645.1, NM_001407644.1); c.4913C>G, p.Ser1638Ter (NM_001407646.1); c.4910C>G, p.Ser1637Ter (NM_001407647.1); c.4868C>G, p.Ser1623Ter (NM_001407648.1); c.4865C>G, p.Ser1622Ter (NM_001407649.1); and 70 more; short protein forms S1642*, S1663*, S1595*, S538*, S1346*, S1488*, S1514*, S1552*.
Identifiers: ClinVar variation 868852 (VCV000868852.3), dbSNP rs2052376303, ClinGen allele CA10591671.
Genomic context (GRCh38, chr17:43,070,989, plus strand): 5'-AATTCTTCTGGGGTCAGGCCAGACACCACCATGGACATTCTTTTGTTGACCCTTTCTGTT[G>C]AAGCTGTCAATTCTGGCTTCTCCCTGCTCACACTTTCTTCCATTGCATTATACCCAGCAG-3'

Conditions:
Breast-ovarian cancer, familial, susceptibility to, 1 (BROVCA1). Also called: BRCA1 Hereditary Breast and Ovarian Cancer; OVARIAN CANCER, SUSCEPTIBILITY TO. Identifiers: Orphanet 145, MedGen C2676676, MONDO:0011450, OMIM 604370. Disease mechanism: loss of function.

Submission:

Brotman Baty Institute, University of Washington
No classification provided (evidence only). Condition: Breast-ovarian cancer, familial 1. Review status: no classification provided. Collection method: in vitro. Allele origin: not applicable. Functional consequence: functionally_abnormal.
ClinVar note: "not provided" was previously submitted as the classification for the variant. However, the classification appeared to be based only on an observation of functional data so it was converted to no classification on 2025-07-30.